The following is an entry in ClinVar:

ClinVar aggregate classification (germline): Uncertain significance (1 of 4 stars; one submission).

Conditions:
Leigh syndrome (NULS). Also called: Leigh's necrotizing encephalopathy; Leigh's disease; Leigh's syndrome; LEIGH SYNDROME, NUCLEAR; Leigh Syndrome (mtDNA deletion); Leigh Disease. Identifiers: Orphanet 506, MedGen C2931891, MONDO:0009723, OMIM 256000.

Submission:

Wong Mito Lab, Molecular and Human Genetics, Baylor College of Medicine
Classification: Uncertain significance for Leigh syndrome. Last evaluated: 2019-10-17. Review status: criteria provided, single submitter. Criteria: Modified ACMG Guidelines (Unpublished). Collection method: clinical testing. Allele origin: germline.
Comment: The NC_012920.1:m.15831T>C (YP_003024038.1:p.Ile362Thr) variant in MTCYB gene is interpretated to be a Uncertain Significance variant based on the modified ACMG guidelines (unpublished). This variant meets the following evidence codes: PP3

NC_012920.1(MT-CYB):m.15831T>C

Gene: MT-CYB (mitochondrially encoded cytochrome b; plus strand).
Variant type: single nucleotide variant.
Genome position: chrM-15831-T-C.
Identifiers: ClinVar variation 693962 (VCV000693962.1), dbSNP rs1603225529, ClinGen allele CA913174965.